The following is an entry in ClinVar:

ClinVar aggregate classification (germline): Benign/Likely benign. Review status: criteria provided, multiple submitters, no conflicts (2 of 4 stars). 3 submissions from 3 submitters: Benign (1); Likely benign (2). Last evaluated 2025-07-29.

Conditions:
Hereditary diffuse gastric adenocarcinoma (HDGC). Also called: DIFFUSE GASTRIC AND LOBULAR BREAST CANCER SYNDROME. Identifiers: Orphanet 26106, MedGen C1708349, MONDO:0007648, OMIM 137215.
Hereditary cancer-predisposing syndrome. Also called: Neoplastic Syndromes, Hereditary; Hereditary Cancer Syndrome; Hereditary neoplastic syndrome; Tumor predisposition. Identifiers: Orphanet 140162, MedGen C0027672, MeSH D009386, MONDO:0015356.

gnomAD v4.1: 1 of 1,614,154 alleles (0.000062%); highest among the groups gnomAD compares: African/African-American, 0.0013%; no homozygotes.

Submissions (3):

Labcorp Genetics (formerly Invitae), Labcorp
Classification: Likely benign for Hereditary diffuse gastric adenocarcinoma. Last evaluated: 2025-07-29. Review status: criteria provided, single submitter. Criteria: Invitae Variant Classification Sherloc (09022015). Collection method: clinical testing. Allele origin: germline.

Myriad Genetics, Inc.
Classification: Benign for Hereditary diffuse gastric adenocarcinoma. Last evaluated: 2024-09-13. Review status: criteria provided, single submitter. Criteria: Myriad Autosomal Dominant, Autosomal Recessive and X-Linked Classification Criteria (2023). Collection method: clinical testing. Allele origin: unknown.
Comment: This variant is considered benign. This variant is a silent/synonymous amino acid change and it is not expected to impact splicing.

Ambry Genetics
Classification: Likely benign for Hereditary cancer-predisposing syndrome. Last evaluated: 2020-11-12. Review status: criteria provided, single submitter. Criteria: Ambry Variant Classification Scheme 2023. Collection method: clinical testing. Allele origin: germline.

NM_004360.5(CDH1):c.720T>C (p.Asn240=)

Gene: CDH1 (cadherin 1; plus strand). Cytogenetic location: 16q22.1.
Variant type: single nucleotide variant.
Coding change: c.720T>C on transcript NM_004360.5 (MANE Select); coding-DNA position 720, T replaced by C.
Protein change: p.Asn240=; no amino-acid change (asparagine 240 retained).
Molecular consequence: synonymous variant. On other transcripts: 5 prime UTR variant (2).
Genome position (GRCh38, 1-based): chr16:68,810,229, T>C. VCF-style: chr16-68810229-T-C. GRCh37 (hg19) VCF-style: chr16-68844132-T-C.
Other names: c.720T>C, p.Asn240= (NM_001317184.2); c.-896T>C (NM_001317185.2); c.-1100T>C (NM_001317186.2).
Identifiers: ClinVar variation 1116376 (VCV001116376.12), dbSNP rs2152131034, ClinGen allele CA496152772.